The following is an entry in ClinVar:

NM_182493.3(MYLK3):c.205G>A (p.Ala69Thr)

Gene: MYLK3 (myosin light chain kinase 3; minus strand). Cytogenetic location: 16q11.2.
Variant type: single nucleotide variant.
Coding change: c.205G>A on transcript NM_182493.3 (MANE Select); coding-DNA position 205, G replaced by A.
Protein change: p.Ala69Thr; replaces alanine 69 with threonine.
Molecular consequence: missense variant. On other transcripts: intron variant (1).
Genome position (GRCh38, 1-based): chr16:46,747,989, C>T on the plus strand (G>A on the coding strand, the complement: MYLK3 is on the minus strand). VCF-style: chr16-46747989-C-T. GRCh37 (hg19) VCF-style: chr16-46781901-C-T.
Other names: c.-113-7842G>A (NM_001308301.1); short protein forms A69T.
Identifiers: ClinVar variation 1509312 (VCV001509312.8), dbSNP rs376169087, ClinGen allele CA280241475.

ClinVar aggregate classification (germline): Uncertain significance (1 of 4 stars; one submission).

Allele frequency attached by ClinVar (database versions not stated): TOPMed below 0.00001; gnomAD 0.00001; gnomAD exomes 0.00001; ESP Exome Variant Server 0.00008.
gnomAD v4.1: 18 of 1,613,420 alleles (0.0011%); highest among the groups gnomAD compares: African/African-American, 0.0027%; no homozygotes.

Submission:

Labcorp Genetics (formerly Invitae), Labcorp
Classification: Uncertain significance. Last evaluated: 2024-09-21. Review status: criteria provided, single submitter. Criteria: Invitae Variant Classification Sherloc (09022015). Collection method: clinical testing. Allele origin: germline.
Comment: This sequence change replaces alanine, which is neutral and non-polar, with threonine, which is neutral and polar, at codon 69 of the MYLK3 protein (p.Ala69Thr). This variant is present in population databases (rs376169087, gnomAD 0.007%). This variant has not been reported in the literature in individuals affected with MYLK3-related conditions. ClinVar contains an entry for this variant (Variation ID: 1509312). An algorithm developed to predict the effect of missense changes on protein structure and function (PolyPhen-2) suggests that this variant is likely to be tolerated. In summary, the available evidence is currently insufficient to determine the role of this variant in disease. Therefore, it has been classified as a Variant of Uncertain Significance.